The following is an entry in ClinVar:

ClinVar aggregate classification (germline): Uncertain significance. Review status: criteria provided, multiple submitters, no conflicts (2 of 4 stars). 2 submissions from 2 submitters: Uncertain significance (2). Last evaluated 2024-06-20.

Conditions:
Hereditary cancer-predisposing syndrome. Also called: Hereditary Cancer Syndrome; Tumor predisposition; Neoplastic Syndromes, Hereditary; Hereditary neoplastic syndrome. Identifiers: Orphanet 140162, MedGen C0027672, MeSH D009386, MONDO:0015356.
Gorlin syndrome. Also called: Basal cell nevus syndrome; Nevoid Basal Cell Carcinoma Syndrome. Identifiers: Orphanet 377, MedGen C0004779, MONDO:0007187.

Submissions (2):

Ambry Genetics
Classification: Uncertain significance for Hereditary cancer-predisposing syndrome. Last evaluated: 2024-06-20. Review status: criteria provided, single submitter. Criteria: Ambry Variant Classification Scheme 2023. Collection method: clinical testing. Allele origin: germline.
Comment: The p.L431V variant (also known as c.1291C>G), located in coding exon 9 of the PTCH1 gene, results from a C to G substitution at nucleotide position 1291. The leucine at codon 431 is replaced by valine, an amino acid with highly similar properties. This amino acid position is conserved. In addition, the in silico prediction for this alteration is inconclusive. Based on the available evidence, the clinical significance of this variant remains unclear.

Labcorp Genetics (formerly Invitae), Labcorp
Classification: Uncertain significance for Gorlin syndrome. Last evaluated: 2023-03-04. Review status: criteria provided, single submitter. Criteria: Invitae Variant Classification Sherloc (09022015). Collection method: clinical testing. Allele origin: germline.
Comment: In summary, the available evidence is currently insufficient to determine the role of this variant in disease. Therefore, it has been classified as a Variant of Uncertain Significance. Advanced modeling of protein sequence and biophysical properties (such as structural, functional, and spatial information, amino acid conservation, physicochemical variation, residue mobility, and thermodynamic stability) performed at Invitae indicates that this missense variant is not expected to disrupt PTCH1 protein function. ClinVar contains an entry for this variant (Variation ID: 652780). This sequence change replaces leucine, which is neutral and non-polar, with valine, which is neutral and non-polar, at codon 431 of the PTCH1 protein (p.Leu431Val). This variant is not present in population databases (gnomAD no frequency). This variant has not been reported in the literature in individuals affected with PTCH1-related conditions.

NM_000264.5(PTCH1):c.1291C>G (p.Leu431Val)

Gene: PTCH1 (patched 1; minus strand). Cytogenetic location: 9q22.32.
Variant type: single nucleotide variant.
Coding change: c.1291C>G on transcript NM_000264.5 (MANE Select); coding-DNA position 1291, C replaced by G.
Protein change: p.Leu431Val; replaces leucine 431 with valine.
Molecular consequence: missense variant. On other transcripts: non-coding transcript variant (1).
Genome position (GRCh38, 1-based): chr9:95,478,111, G>C on the plus strand (C>G on the coding strand, the complement: PTCH1 is on the minus strand). VCF-style: chr9-95478111-G-C. GRCh37 (hg19) VCF-style: chr9-98240393-G-C.
Other names: c.1093C>G, p.Leu365Val (NM_001083602.3); c.1288C>G, p.Leu430Val (NM_001083603.3); c.838C>G, p.Leu280Val (NM_001083604.3, NM_001083605.3, NM_001083606.3 and 1 more transcripts); c.1291C>G, p.Leu431Val (NM_001354918.2); short protein forms L365V, L430V, L431V, L280V.
Identifiers: ClinVar variation 652780 (VCV000652780.10), dbSNP rs1416185684, ClinGen allele CA374118814.
Genomic context (GRCh38, chr9:95,478,111, plus strand): 5'-TTACCATGAGTAAGTAGCCGCTGGCCACGCGGATGACACTGACGTCAGAGAAGGATTTCA[G>C]GATGTCGTCCAGGGTCGTGGTGGTGAAGGAAAGCACCTTTTGAGTGGAGTTCTGTGCGAC-3'
Protein context (NP_000255.2, residues 421-441): SFTTTTLDDI[Leu431Val]KSFSDVSVIR